The following is an entry in ClinVar:

NM_001197104.2(KMT2A):c.11430-15del

Genes: KMT2A (lysine methyltransferase 2A; plus strand), TTC36-AS1 (TTC36 and KMT2A antisense RNA 1; minus strand). Cytogenetic location: 11q23.3.
Variant type: Deletion.
Coding change: c.11430-15del on transcript NM_001197104.2 (MANE Select); 15 bases into the intron before coding-DNA position 11430, one base deleted (T; older notation c.11430-15delT).
Molecular consequence: intron variant.
Genome position (GRCh38, 1-based): chr11:118,520,787, T deleted. VCF-style (leftmost placement, unchanged base first): chr11-118520786-AT-A. GRCh37 (hg19) VCF-style: chr11-118391501-AT-A.
Other names: c.11520-15del (NM_001412597.1); c.11421-15del (NM_005933.4).
Identifiers: ClinVar variation 3640399 (VCV003640399.2).
Genomic context (GRCh38, chr11:118,520,786, plus strand): 5'-TCTAGGAACCTTCGATTCAAGACTCAAAACATTATTTCCTGAAAAAAATTCGTTAATAGT[AT>A]GTCTTATCTCTTAGGAGGGCAACTAGCATGGATCTGCCAATGCCCATGCGCTTCCGGCAC-3'

ClinVar aggregate classification (germline): Uncertain significance (1 of 4 stars; one submission).

Submission:

Labcorp Genetics (formerly Invitae), Labcorp
Classification: Uncertain significance. Last evaluated: 2024-02-27. Review status: criteria provided, single submitter. Criteria: Invitae Variant Classification Sherloc (09022015). Collection method: clinical testing. Allele origin: germline.
Comment: This sequence change falls in intron 33 of the KMT2A gene. It does not directly change the encoded amino acid sequence of the KMT2A protein. This variant is not present in population databases (gnomAD no frequency). This variant has not been reported in the literature in individuals affected with KMT2A-related conditions. Algorithms developed to predict the effect of sequence changes on RNA splicing suggest that this variant may disrupt the consensus splice site. In summary, the available evidence is currently insufficient to determine the role of this variant in disease. Therefore, it has been classified as a Variant of Uncertain Significance.